The following is an entry in ClinVar:

NM_001830.4(CLCN4):c.1107G>A (p.Pro369=)

Gene: CLCN4 (Cl-/H+ antiporter 4; plus strand). Cytogenetic location: Xp22.2.
Variant type: single nucleotide variant.
Coding change: c.1107G>A on transcript NM_001830.4 (MANE Select); coding-DNA position 1107, G replaced by A.
Protein change: p.Pro369=; no amino-acid change (proline 369 retained).
Molecular consequence: synonymous variant.
Genome position (GRCh38, 1-based): chrX:10,208,308, G>A. VCF-style: chrX-10208308-G-A. GRCh37 (hg19) VCF-style: chrX-10176348-G-A.
Other names: c.825G>A, p.Pro275= (NM_001256944.2).
Identifiers: ClinVar variation 415734 (VCV000415734.13), dbSNP rs755821176, ClinGen allele CA10347176.

ClinVar aggregate classification (germline): Likely benign. Review status: criteria provided, multiple submitters, no conflicts (2 of 4 stars). 3 submissions from 3 submitters: Likely benign (2). 1 of the submissions does not count toward it. Last evaluated 2025-04-14.

Conditions:
CLCN4-related disorder. Identifiers: MedGen CN232948.

Allele frequency attached by ClinVar (database versions not stated): gnomAD exomes 0.00004 and 0.00007; ExAC 0.00007; 1000 Genomes Project 30x 0.00021; gnomAD 0.00021 and 0.00024; TOPMed 0.00023; 1000 Genomes Project 0.00026.
gnomAD v4.1: 70 of 1,208,875 alleles (0.0058%); highest among the groups gnomAD compares: African/African-American, 0.065%; no homozygotes.

Submissions (3):

Labcorp Genetics (formerly Invitae), Labcorp
Classification: Likely benign. Last evaluated: 2025-04-14. Review status: criteria provided, single submitter. Criteria: Invitae Variant Classification Sherloc (09022015). Collection method: clinical testing. Allele origin: germline.

GeneDx
Classification: Likely benign. Last evaluated: 2021-02-12. Review status: criteria provided, single submitter. Criteria: GeneDx Variant Classification Process June 2021. Collection method: clinical testing. Allele origin: germline. Affected: yes.

PreventionGenetics, part of Exact Sciences
Classification: Likely benign for CLCN4-related condition. Last evaluated: 2024-06-26. Review status: no assertion criteria provided. Collection method: clinical testing. Allele origin: germline. Not counted in ClinVar's aggregate classification.
Comment: This variant is classified as likely benign based on ACMG/AMP sequence variant interpretation guidelines (Richards et al. 2015 PMID: 25741868, with internal and published modifications).